The following is an entry in ClinVar:

NM_002878.4(RAD51D):c.194C>T (p.Pro65Leu)

Genes: RAD51D (RAD51 paralog D; minus strand), RAD51L3-RFFL (RAD51L3-RFFL readthrough; minus strand). Cytogenetic location: 17q12.
Variant type: single nucleotide variant.
Coding change: c.194C>T on transcript NM_002878.4 (MANE Select); coding-DNA position 194, C replaced by T.
Protein change: p.Pro65Leu; replaces proline 65 with leucine.
Molecular consequence: missense variant. On other transcripts: intron variant (2).
Genome position (GRCh38, 1-based): chr17:35,118,570, G>A on the plus strand (C>T on the coding strand, the complement: RAD51D is on the minus strand). VCF-style: chr17-35118570-G-A. GRCh37 (hg19) VCF-style: chr17-33445589-G-A.
Other names: c.144+541C>T (NM_133629.3, NM_001142571.2); short protein forms P65L.
Identifiers: ClinVar variation 953755 (VCV000953755.10), dbSNP rs1597876790, ClinGen allele CA399091413.

ClinVar aggregate classification (germline): Uncertain significance. Review status: criteria provided, multiple submitters, no conflicts (2 of 4 stars). 2 submissions from 2 submitters: Uncertain significance (2). Last evaluated 2025-01-25.

Conditions:
Breast-ovarian cancer, familial, susceptibility to, 4. Identifiers: Orphanet 145, MedGen C3280345, MONDO:0013669, OMIM 614291.
Hereditary cancer-predisposing syndrome. Also called: Hereditary neoplastic syndrome; Tumor predisposition; Neoplastic Syndromes, Hereditary; Hereditary Cancer Syndrome. Identifiers: Orphanet 140162, MedGen C0027672, MeSH D009386, MONDO:0015356.

Allele frequency attached by ClinVar (database versions not stated): TOPMed below 0.00001.

Submissions (2):

Labcorp Genetics (formerly Invitae), Labcorp
Classification: Uncertain significance for Breast-ovarian cancer, familial, susceptibility to, 4. Last evaluated: 2025-01-25. Review status: criteria provided, single submitter. Criteria: Invitae Variant Classification Sherloc (09022015). Collection method: clinical testing. Allele origin: germline.
Comment: This sequence change replaces proline, which is neutral and non-polar, with leucine, which is neutral and non-polar, at codon 65 of the RAD51D protein (p.Pro65Leu). This variant is not present in population databases (gnomAD no frequency). This variant has not been reported in the literature in individuals affected with RAD51D-related conditions. ClinVar contains an entry for this variant (Variation ID: 953755). Invitae Evidence Modeling of protein sequence and biophysical properties (such as structural, functional, and spatial information, amino acid conservation, physicochemical variation, residue mobility, and thermodynamic stability) indicates that this missense variant is not expected to disrupt RAD51D protein function with a negative predictive value of 80%. In summary, the available evidence is currently insufficient to determine the role of this variant in disease. Therefore, it has been classified as a Variant of Uncertain Significance.

Ambry Genetics
Classification: Uncertain significance for Hereditary cancer-predisposing syndrome. Last evaluated: 2023-12-31. Review status: criteria provided, single submitter. Criteria: Ambry Variant Classification Scheme 2023. Collection method: clinical testing. Allele origin: germline.
Comment: The p.P65L variant (also known as c.194C>T), located in coding exon 3 of the RAD51D gene, results from a C to T substitution at nucleotide position 194. The proline at codon 65 is replaced by leucine, an amino acid with similar properties. This amino acid position is conserved. In addition, the in silico prediction for this alteration is inconclusive. Since supporting evidence is limited at this time, the clinical significance of this alteration remains unclear.